The following is an entry in ClinVar:

ClinVar aggregate classification (germline): Uncertain significance. Review status: criteria provided, multiple submitters, no conflicts (2 of 4 stars). 3 submissions from 3 submitters: Uncertain significance (3). Last evaluated 2026-02-06.

Allele frequency attached by ClinVar (database versions not stated): gnomAD exomes 0.00001; ExAC 0.00001.
gnomAD v4.1: 9 of 1,593,578 alleles (0.00056%); highest among the groups gnomAD compares: Admixed American, 0.0017%; no homozygotes.

Submissions (3):

Dasa
Classification: Uncertain significance. Last evaluated: 2026-02-06. Review status: criteria provided, single submitter. Criteria: DASA Assertion Criteria. Collection method: clinical testing. Allele origin: germline.
Comment: NM_004972.4(JAK2):c.980G>T (p.Ser327Ile) is a missense variant that results in the substitution of serine with isoleucine. This variant is rare in population databases. The currently available literature and clinical evidence are not sufficient to establish a definitive association between this variant and the reported condition. Therefore, this variant is classified as a variant of uncertain significance.

Labcorp Genetics (formerly Invitae), Labcorp
Classification: Uncertain significance. Last evaluated: 2024-10-31. Review status: criteria provided, single submitter. Criteria: Invitae Variant Classification Sherloc (09022015). Collection method: clinical testing. Allele origin: germline.
Comment: This sequence change replaces serine, which is neutral and polar, with isoleucine, which is neutral and non-polar, at codon 327 of the JAK2 protein (p.Ser327Ile). This variant is present in population databases (rs769401778, gnomAD 0.003%). This missense change has been observed in individual(s) with clinical features of JAK2-related conditions (PMID: 30940614). ClinVar contains an entry for this variant (Variation ID: 1319066). Invitae Evidence Modeling of protein sequence and biophysical properties (such as structural, functional, and spatial information, amino acid conservation, physicochemical variation, residue mobility, and thermodynamic stability) indicates that this missense variant is not expected to disrupt JAK2 protein function with a negative predictive value of 80%. In summary, the available evidence is currently insufficient to determine the role of this variant in disease. Therefore, it has been classified as a Variant of Uncertain Significance.

Institute for Clinical Genetics, University Hospital TU Dresden, University Hospital TU Dresden
Classification: Uncertain significance. Last evaluated: 2021-11-03. Review status: criteria provided, single submitter. Criteria: ACMG Guidelines, 2015. Collection method: clinical testing. Allele origin: germline.

Literature cited by the submitters: PubMed 30940614 (cited by Labcorp Genetics (formerly Invitae), Labcorp).

NM_004972.4(JAK2):c.980G>T (p.Ser327Ile)

Genes: INSL6 (insulin like 6; minus strand), JAK2 (Janus kinase 2; plus strand). Cytogenetic location: 9p24.1.
Variant type: single nucleotide variant.
Coding change: c.980G>T on transcript NM_004972.4 (MANE Select); coding-DNA position 980, G replaced by T.
Protein change: p.Ser327Ile; replaces serine 327 with isoleucine.
Molecular consequence: missense variant. On other transcripts: 5 prime UTR variant (2), non-coding transcript variant (2).
Genome position (GRCh38, 1-based): chr9:5,055,712, G>T. VCF-style: chr9-5055712-G-T. GRCh37 (hg19) VCF-style: chr9-5055712-G-T.
Other names: c.980G>T, p.Ser327Ile (NM_001322194.2, NM_001322195.2, NM_001322196.2); c.-236G>T (NM_001322198.2, NM_001322199.2); c.533G>T, p.Ser178Ile (NM_001322204.2); short protein forms S178I, S327I.
Identifiers: ClinVar variation 1319066 (VCV001319066.7), dbSNP rs769401778, ClinGen allele CA4971708.